The following is an entry in ClinVar:

NM_000090.4(COL3A1):c.3911G>C (p.Ser1304Thr)

Gene: COL3A1 (collagen type III alpha 1 chain; plus strand). Cytogenetic location: 2q32.2.
Variant type: single nucleotide variant.
Coding change: c.3911G>C on transcript NM_000090.4 (MANE Select); coding-DNA position 3911, G replaced by C.
Protein change: p.Ser1304Thr; replaces serine 1304 with threonine.
Molecular consequence: missense variant.
Genome position (GRCh38, 1-based): chr2:189,010,265, G>C. VCF-style: chr2-189010265-G-C. GRCh37 (hg19) VCF-style: chr2-189874991-G-C.
Other names: short protein forms S1304T.
Identifiers: ClinVar variation 2151796 (VCV002151796.4), dbSNP rs61735537, ClinGen allele CA349848623.

ClinVar aggregate classification (germline): Uncertain significance. Review status: criteria provided, multiple submitters, no conflicts (2 of 4 stars). 2 submissions from 2 submitters: Uncertain significance (2). Last evaluated 2025-10-27.

Conditions:
Familial thoracic aortic aneurysm and aortic dissection (TAAD). Also called: Thoracic aortic aneurysms and dissections. Identifiers: Orphanet 91387, MedGen C4707243, MONDO:0019625.
Ehlers-Danlos syndrome, type 4 (EDSVASC). Also called: Ehlers-Danlos syndrome vascular type; Ehlers Danlos syndrome, ecchymotic type; Ehlers Danlos syndrome, arterial type; Ehlers Danlos syndrome, Sack-Barabas type; Ehlers-Danlos Syndrome Type IV. Identifiers: Orphanet 286, MedGen C0268338, MONDO:0017314, OMIM 130050.

Submissions (2):

Color Diagnostics, LLC DBA Color Health
Classification: Uncertain significance for Familial thoracic aortic aneurysm and aortic dissection. Last evaluated: 2025-10-27. Review status: criteria provided, single submitter. Criteria: ACMG Guidelines, 2015. Collection method: clinical testing. Allele origin: germline.
Comment: This missense variant replaces serine with threonine at codon 1304 of the COL3A1 protein. Computational prediction suggests that this variant may not impact protein structure and function. To our knowledge, functional studies have not been reported for this variant. This variant has not been reported in individuals affected with COL3A1-related disorders in the literature. This variant has not been identified in the general population by the Genome Aggregation Database (gnomAD). The available evidence is insufficient to determine the role of this variant in disease conclusively. Therefore, this variant is classified as a Variant of Uncertain Significance.

Labcorp Genetics (formerly Invitae), Labcorp
Classification: Uncertain significance for Ehlers-Danlos syndrome, type 4. Last evaluated: 2022-06-01. Review status: criteria provided, single submitter. Criteria: Invitae Variant Classification Sherloc (09022015). Collection method: clinical testing. Allele origin: germline.
Comment: This variant has not been reported in the literature in individuals affected with COL3A1-related conditions. This variant is not present in population databases (gnomAD no frequency). This sequence change replaces serine, which is neutral and polar, with threonine, which is neutral and polar, at codon 1304 of the COL3A1 protein (p.Ser1304Thr). In summary, the available evidence is currently insufficient to determine the role of this variant in disease. Therefore, it has been classified as a Variant of Uncertain Significance. Advanced modeling of protein sequence and biophysical properties (such as structural, functional, and spatial information, amino acid conservation, physicochemical variation, residue mobility, and thermodynamic stability) performed at Invitae indicates that this missense variant is not expected to disrupt COL3A1 protein function.